The following is an entry in ClinVar:

ClinVar aggregate classification (germline): Uncertain significance (1 of 4 stars; one submission).

Submission:

GeneDx
Classification: Uncertain significance. Last evaluated: 2024-05-15. Review status: criteria provided, single submitter. Criteria: GeneDx Variant Classification Process June 2021. Collection method: clinical testing. Allele origin: germline. Affected: yes.
Comment: Not observed at significant frequency in large population cohorts (gnomAD); In silico analysis supports that this missense variant has a deleterious effect on protein structure/function; Has not been previously published as pathogenic or benign to our knowledge

NM_004092.4(ECHS1):c.436G>C (p.Ala146Pro)

Gene: ECHS1 (enoyl-CoA hydratase, short chain 1; minus strand). Cytogenetic location: 10q26.3.
Variant type: single nucleotide variant.
Coding change: c.436G>C on transcript NM_004092.4 (MANE Select); coding-DNA position 436, G replaced by C.
Protein change: p.Ala146Pro; replaces alanine 146 with proline.
Molecular consequence: missense variant.
Genome position (GRCh38, 1-based): chr10:133,369,001, C>G on the plus strand (G>C on the coding strand, the complement: ECHS1 is on the minus strand). VCF-style: chr10-133369001-C-G. GRCh37 (hg19) VCF-style: chr10-135182505-C-G.
Other names: short protein forms A146P.
Identifiers: ClinVar variation 3381491 (VCV003381491.1).